The following is an entry in ClinVar:

NM_000593.6(TAP1):c.875C>T (p.Thr292Met)

Gene: TAP1 (transporter 1, ATP binding cassette subfamily B member; minus strand). Cytogenetic location: 6p21.32.
Variant type: single nucleotide variant.
Coding change: c.875C>T on transcript NM_000593.6 (MANE Select); coding-DNA position 875, C replaced by T.
Protein change: p.Thr292Met; replaces threonine 292 with methionine.
Molecular consequence: missense variant.
Genome position (GRCh38, 1-based): chr6:32,851,119, G>A on the plus strand (C>T on the coding strand, the complement: TAP1 is on the minus strand). VCF-style: chr6-32851119-G-A. GRCh37 (hg19) VCF-style: chr6-32818896-G-A.
Other names: c.272C>T, p.Thr91Met (NM_001292022.2); short protein forms T292M, T91M.
Identifiers: ClinVar variation 2418035 (VCV002418035.6), dbSNP rs545594615, ClinGen allele CA3746903.

ClinVar aggregate classification (germline): Uncertain significance (1 of 4 stars; one submission).

Conditions:
MHC class I deficiency. Identifiers: Orphanet 34592, MedGen C6024714, MONDO:0011476.

Allele frequency attached by ClinVar (database versions not stated): gnomAD exomes 0.00001; ExAC 0.00003; TOPMed 0.00003; gnomAD 0.00004; 1000 Genomes Project 0.00020; 1000 Genomes Project 30x 0.00031.
gnomAD v4.1: 20 of 1,612,960 alleles (0.0012%); highest among the groups gnomAD compares: African/African-American, 0.0053%; no homozygotes.

Submission:

Labcorp Genetics (formerly Invitae), Labcorp
Classification: Uncertain significance for MHC class I deficiency 1. Last evaluated: 2024-10-26. Review status: criteria provided, single submitter. Criteria: Invitae Variant Classification Sherloc (09022015). Collection method: clinical testing. Allele origin: germline.
Comment: This sequence change replaces threonine, which is neutral and polar, with methionine, which is neutral and non-polar, at codon 352 of the TAP1 protein (p.Thr352Met). This variant is present in population databases (rs545594615, gnomAD 0.007%). This variant has not been reported in the literature in individuals affected with TAP1-related conditions. ClinVar contains an entry for this variant (Variation ID: 2418035). An algorithm developed to predict the effect of missense changes on protein structure and function (PolyPhen-2) suggests that this variant is likely to be disruptive. In summary, the available evidence is currently insufficient to determine the role of this variant in disease. Therefore, it has been classified as a Variant of Uncertain Significance.